The following is an entry in ClinVar:

ClinVar aggregate classification (germline): Uncertain significance. Review status: criteria provided, multiple submitters, no conflicts (2 of 4 stars). 3 submissions from 3 submitters: Uncertain significance (3). Last evaluated 2025-01-15.
ClinVar aggregate classification (somatic clinical impact): Tier I - Strong (1 of 4 stars; one submission).

Conditions:
Hereditary cancer-predisposing syndrome. Also called: Hereditary neoplastic syndrome; Neoplastic Syndromes, Hereditary; Hereditary Cancer Syndrome; Tumor predisposition. Identifiers: Orphanet 140162, MedGen C0027672, MeSH D009386, MONDO:0015356.
Familial thoracic aortic aneurysm and aortic dissection (TAAD). Also called: Thoracic aortic aneurysms and dissections. Identifiers: Orphanet 91387, MedGen C4707243, MONDO:0019625.
Colorectal cancer. Also called: Colorectal cancer, somatic; Malignant Colorectal Neoplasm. Identifiers: MedGen C0346629, MONDO:0005575, OMIM 114500.

Allele frequency attached by ClinVar (database versions not stated): gnomAD exomes below 0.00001.
gnomAD v4.1: 1 of 1,611,674 alleles (0.000062%); highest among the groups gnomAD compares: Non-Finnish European, 0.000085%; no homozygotes.

Submissions (4):

GeneDx
Classification: Uncertain significance. Last evaluated: 2025-01-15. Review status: criteria provided, single submitter. Criteria: GeneDx Variant Classification Process June 2021. Collection method: clinical testing. Allele origin: germline. Affected: yes.
Comment: Not observed at significant frequency in large population cohorts (gnomAD); In silico analysis indicates that this missense variant does not alter protein structure/function; Has not been previously published as pathogenic or benign to our knowledge

Institute for Genomic Medicine (IGM) Clinical Laboratory, Nationwide Children's Hospital
Classification: Tier I - Strong for Colorectal cancer. Assertion type: diagnostic. Clinical significance: supports diagnosis. Last evaluated: 2023-10-17. Review status: criteria provided, single submitter. Criteria: AMP/ASCO/CAP Guidelines, 2017. Collection method: clinical testing. Allele origin: somatic. Affected: yes.
Comment: Variant has Tier I (strong) clinical significance as a diagnostic inclusion criterion in colorectal cancer, based on the following evidence: 1) Documented in one or more cancer databases (e.g., St. Jude Pecan, COSMIC, CIViC, OncoKB). 2) Diagnostic for a specific tumor type/classification based on well-powered studies with expert-level consensus (Evidence Level B; PMIDs: 28267766, 29316426, 30032163, 31080553, 31400926, 31515570).

Ambry Genetics
Classification: Uncertain significance for Hereditary cancer-predisposing syndrome; Familial thoracic aortic aneurysm and aortic dissection. Last evaluated: 2019-12-20. Review status: criteria provided, single submitter. Criteria: Ambry Variant Classification Scheme 2023. Collection method: clinical testing. Allele origin: germline.
Comment: The p.A406T variant (also known as c.1216G>A), located in coding exon 9 of the SMAD4 gene, results from a G to A substitution at nucleotide position 1216. The alanine at codon 406 is replaced by threonine, an amino acid with similar properties. This amino acid position is highly conserved in available vertebrate species. In addition, this alteration is predicted to be deleterious by in silico analysis. Since supporting evidence is limited at this time, the clinical significance of this alteration remains unclear.

Eurofins Ntd Llc (ga)
Classification: Uncertain significance. Last evaluated: 2015-04-25. Review status: criteria provided, single submitter. Criteria: EGL Classification Definitions 2015. Collection method: clinical testing. Allele origin: germline. Observed: 1 variant allele, 1 heterozygote.

Literature cited by the submitters: PubMed 28267766 (cited by Institute for Genomic Medicine (IGM) Clinical Laboratory, Nationwide Children's Hospital); PubMed 29316426 (cited by Institute for Genomic Medicine (IGM) Clinical Laboratory, Nationwide Children's Hospital); PubMed 30032163 (cited by Institute for Genomic Medicine (IGM) Clinical Laboratory, Nationwide Children's Hospital); PubMed 31080553 (cited by Institute for Genomic Medicine (IGM) Clinical Laboratory, Nationwide Children's Hospital); PubMed 31400926 (cited by Institute for Genomic Medicine (IGM) Clinical Laboratory, Nationwide Children's Hospital); PubMed 31515570 (cited by Institute for Genomic Medicine (IGM) Clinical Laboratory, Nationwide Children's Hospital).

NM_005359.6(SMAD4):c.1216G>A (p.Ala406Thr)

Gene: SMAD4 (SMAD family member 4; plus strand). Cytogenetic location: 18q21.2.
Variant type: single nucleotide variant.
Coding change: c.1216G>A on transcript NM_005359.6 (MANE Select); coding-DNA position 1216, G replaced by A.
Protein change: p.Ala406Thr; replaces alanine 406 with threonine.
Molecular consequence: missense variant.
Genome position (GRCh38, 1-based): chr18:51,067,095, G>A. VCF-style: chr18-51067095-G-A. GRCh37 (hg19) VCF-style: chr18-48593465-G-A.
Other names: short protein forms A406T.
Identifiers: ClinVar variation 193679 (VCV000193679.9), dbSNP rs794726995, ClinGen allele CA239266.
Genomic context (GRCh38, chr18:51,067,095, plus strand): 5'-GGTGTGCAGTTGGAATGTAAAGGTGAAGGTGATGTTTGGGTCAGGTGCCTTAGTGACCAC[G>A]CGGTCTTTGTACAGAGTTACTACTTAGACAGAGAAGCTGGGCGTGCACCTGGAGATGCTG-3'
Protein context (NP_005350.1, residues 396-416): DVWVRCLSDH[Ala406Thr]VFVQSYYLDR